The following is an entry in ClinVar:

NC_000023.10:g.(?_31652298)_(31697488_?)del

Gene: DMD (dystrophin; minus strand). Cytogenetic location: Xp21.1.
Variant type: Deletion.
Identifiers: ClinVar variation 2424816 (VCV002424816.4).

ClinVar aggregate classification (germline): Pathogenic (1 of 4 stars; one submission).

Conditions:
Duchenne muscular dystrophy (DMD). Also called: Duchenne Muscular Dystrophy (DMD); MUSCULAR DYSTROPHY, PSEUDOHYPERTROPHIC PROGRESSIVE, DUCHENNE TYPE. Identifiers: Orphanet 98896, MedGen C0013264, MONDO:0010679, OMIM 310200.

Submission:

Labcorp Genetics (formerly Invitae), Labcorp
Classification: Pathogenic for Duchenne muscular dystrophy. Last evaluated: 2022-08-09. Review status: criteria provided, single submitter. Criteria: Invitae Variant Classification Sherloc (09022015). Collection method: clinical testing. Allele origin: germline.
Comment: This variant is a gross deletion of the genomic region encompassing exon(s) 54 of the DMD gene. This deletion is out-of-frame, and is expected to create a premature termination codon and result in an absent or disrupted protein product. Loss-of-function variants in DMD are known to be pathogenic (PMID: 16770791, 25007885). A similar copy number variant has been observed in individual(s) with DMD-related conditions (PMID: 17259292, 22894145, 31139960). For these reasons, this variant has been classified as Pathogenic.

Literature cited by the submitters: PubMed 16770791; PubMed 25007885; PubMed 17259292; PubMed 22894145; PubMed 31139960.